The following is an entry in ClinVar:

NM_001372.4(DNAH9):c.12320_12323del (p.Tyr4107fs)

Gene: DNAH9 (dynein axonemal heavy chain 9; plus strand). Cytogenetic location: 17p12.
Variant type: Deletion.
Coding change: c.12320_12323del on transcript NM_001372.4 (MANE Select); coding-DNA positions 12320 to 12323, 4 bases deleted (ACCT; older notation c.12320_12323delACCT).
Protein change: p.Tyr4107fs; shifts the reading frame from tyrosine 4107.
Molecular consequence: frameshift variant.
Genome position (GRCh38, 1-based): chr17:11,933,902-11,933,905, ACCT deleted; deleting any 4 consecutive bases within chr17:11,933,900-11,933,905 gives the same sequence; the c. name uses the placement nearest the transcript's 3' end. VCF-style (leftmost placement, unchanged base first): chr17-11933899-GCTAC-G. GRCh37 (hg19) VCF-style: chr17-11837216-GCTAC-G.
Other names: c.1256_1259del, p.Tyr419fs (NM_004662.2); short protein forms Y4107fs, Y419fs.
Identifiers: ClinVar variation 2715538 (VCV002715538.4), dbSNP rs1974604610, ClinGen allele CA2247927743.

ClinVar aggregate classification (germline): Pathogenic/Likely pathogenic. Review status: criteria provided, multiple submitters, no conflicts (2 of 4 stars). 2 submissions from 2 submitters: Pathogenic (1); Likely pathogenic (1). Last evaluated 2026-02-01.

Conditions:
Ciliary dyskinesia, primary, 40. Also called: CILIARY DYSKINESIA, PRIMARY, 40, WITH OR WITHOUT SITUS INVERSUS. Identifiers: MedGen C4749028, MONDO:0032664, OMIM 618300.

Submissions (2):

Labcorp Genetics (formerly Invitae), Labcorp
Classification: Pathogenic. Last evaluated: 2026-02-01. Review status: criteria provided, single submitter. Criteria: Invitae Variant Classification Sherloc (09022015). Collection method: clinical testing. Allele origin: germline.
Comment: This sequence change creates a premature translational stop signal (p.Tyr4107Cysfs*33) in the DNAH9 gene. It is expected to result in an absent or disrupted protein product. Loss-of-function variants in DNAH9 are known to be pathogenic (PMID: 30471718). This variant is not present in population databases (gnomAD no frequency). This variant has not been reported in the literature in individuals affected with DNAH9-related conditions. ClinVar contains an entry for this variant (Variation ID: 2715538). For these reasons, this variant has been classified as Pathogenic.

Rady Children's Institute for Genomic Medicine, Rady Children's Hospital San Diego
Classification: Likely pathogenic for Ciliary dyskinesia, primary, 40. Last evaluated: 2025-08-14. Review status: criteria provided, single submitter. Criteria: ACMG Guidelines, 2015. Collection method: clinical testing. Allele origin: germline. Affected: yes.
Comment: This frameshifting variant in exon 65 of 69 is predicted to result in loss of normal protein function through either protein truncation or nonsense-mediated mRNA decay. Loss-of-function variation in DNAH9 is an established mechanism of disease (PMID: 30471718). This variant has not been previously reported or functionally characterized in the literature to our knowledge. The c.12320_12323del (p.Tyr4107CysfsTer33) variant is present in the latest version of the gnomAD population database at an allele frequency of 0.001% (16/1612588), and is absent in the homozygous state, thus is presumed to be rare. Based on the available evidence, c.12320_12323del (p.Tyr4107CysfsTer33) is classified as Likely Pathogenic.

Literature cited by the submitters: PubMed 30471718 (cited by Labcorp Genetics (formerly Invitae), Labcorp and Rady Children's Institute for Genomic Medicine, Rady Children's Hospital San Diego).